The following is an entry in ClinVar:

ClinVar aggregate classification (germline): Uncertain significance. Review status: criteria provided, multiple submitters, no conflicts (2 of 4 stars). 5 submissions from 5 submitters: Uncertain significance (4). 1 of the submissions does not count toward it. Last evaluated 2025-08-10.

Conditions:
PCDH19-related disorder. Also called: PCDH19-related condition.
Inborn genetic diseases. Identifiers: MedGen C0950123, MeSH D030342.
Intellectual disability. Also called: intellectual disabilities; Intellectual developmental disorder; Intellectual functioning disability. Identifiers: MedGen C3714756, MeSH D008607, MONDO:0001071, HP:0001249.
Developmental and epileptic encephalopathy, 9 (DEE9). Also called: Early infantile epileptic encephalopathy 9; JUBERG-HELLMAN SYNDROME; EPILEPSY, FEMALE-RESTRICTED, WITH MENTAL RETARDATION; PCDH19-Related X-Linked Female-Limited Epilepsy with Mental Retardation. Identifiers: Orphanet 101039, Orphanet 2076, MedGen C1848137, MONDO:0010246, OMIM 300088. Disease mechanism: loss of function.

Allele frequency attached by ClinVar (database versions not stated): TOPMed 0.00003; gnomAD 0.00004; ESP Exome Variant Server 0.00010.
gnomAD v4.1: 41 of 1,209,732 alleles (0.0034%); highest among the groups gnomAD compares: Non-Finnish European, 0.0046%; no homozygotes.

Submissions (5):

Labcorp Genetics (formerly Invitae), Labcorp
Classification: Uncertain significance for Developmental and epileptic encephalopathy, 9. Last evaluated: 2025-08-10. Review status: criteria provided, single submitter. Criteria: Invitae Variant Classification Sherloc (09022015). Collection method: clinical testing. Allele origin: germline.
Comment: This sequence change replaces arginine, which is basic and polar, with histidine, which is basic and polar, at codon 827 of the PCDH19 protein (p.Arg827His). This variant is present in population databases (rs371323886, gnomAD 0.007%). This variant has not been reported in the literature in individuals affected with PCDH19-related conditions. ClinVar contains an entry for this variant (Variation ID: 639503). Invitae Evidence Modeling of protein sequence and biophysical properties (such as structural, functional, and spatial information, amino acid conservation, physicochemical variation, residue mobility, and thermodynamic stability) has been performed for this missense variant. However, the output from this modeling did not meet the statistical confidence thresholds required to predict the impact of this variant on PCDH19 protein function. In summary, the available evidence is currently insufficient to determine the role of this variant in disease. Therefore, it has been classified as a Variant of Uncertain Significance.

Genomic Medicine Center of Excellence, King Faisal Specialist Hospital and Research Centre
Classification: Uncertain significance for Developmental and epileptic encephalopathy, 9. Last evaluated: 2024-03-25. Review status: criteria provided, single submitter. Criteria: ACMG Guidelines, 2015. Collection method: clinical testing. Allele origin: germline.

Ambry Genetics
Classification: Uncertain significance for Inborn genetic diseases. Last evaluated: 2023-12-17. Review status: criteria provided, single submitter. Criteria: Ambry Variant Classification Scheme 2023. Collection method: clinical testing. Allele origin: germline.

Cambridge Genomics Laboratory, East Genomic Laboratory Hub, NHS Genomic Medicine Service
Classification: Uncertain significance for Intellectual disability. Last evaluated: 2020-06-08. Review status: criteria provided, single submitter. Criteria: ACGS Best Practice Guidelines for Variant Classification in Rare Disease 2020. Collection method: clinical testing. Allele origin: germline. Affected: yes. Observed: 1 variant allele.

PreventionGenetics, part of Exact Sciences
Classification: Uncertain significance for PCDH19-related condition. Last evaluated: 2024-05-28. Review status: no assertion criteria provided. Collection method: clinical testing. Allele origin: germline. Not counted in ClinVar's aggregate classification.
Comment: The PCDH19 c.2480G>A variant is predicted to result in the amino acid substitution p.Arg827His. To our knowledge, this variant has not been reported in the literature. This variant is reported in 0.0065% of alleles in individuals of European (Non-Finnish) descent in gnomAD. At this time, the clinical significance of this variant is uncertain due to the absence of conclusive functional and genetic evidence.

NM_001184880.2(PCDH19):c.2480G>A (p.Arg827His)

Genes: PCDH19 (protocadherin 19; minus strand), LOC125467768 (CDK7 strongly-dependent group 2 enhancer GRCh37_chrX:99657381-99658580; plus strand). Cytogenetic location: Xq22.1.
Variant type: single nucleotide variant.
Coding change: c.2480G>A on transcript NM_001184880.2 (MANE Select); coding-DNA position 2480, G replaced by A.
Protein change: p.Arg827His; replaces arginine 827 with histidine.
Molecular consequence: missense variant.
Genome position (GRCh38, 1-based): chrX:100,402,660, C>T on the plus strand (G>A on the coding strand, the complement: PCDH19 is on the minus strand). VCF-style: chrX-100402660-C-T. GRCh37 (hg19) VCF-style: chrX-99657658-C-T.
Other names: c.2339G>A, p.Arg780His (NM_001105243.2, NM_020766.3); short protein forms R780H, R827H.
Identifiers: ClinVar variation 639503 (VCV000639503.13), dbSNP rs371323886, ClinGen allele CA10468766.